The following is an entry in ClinVar:

NM_000038.6(APC):c.4137del (p.Thr1380fs)

Gene: APC (APC regulator of Wnt signaling pathway; plus strand). Cytogenetic location: 5q22.2.
Variant type: Deletion.
Coding change: c.4137del on transcript NM_000038.6 (MANE Select); coding-DNA position 4137, one base deleted (G; older notation c.4137delG).
Protein change: p.Thr1380fs; shifts the reading frame from threonine 1380.
Molecular consequence: frameshift variant. On other transcripts: non-coding transcript variant (2).
Genome position (GRCh38, 1-based): chr5:112,839,731, G deleted. VCF-style (leftmost placement, unchanged base first): chr5-112839730-AG-A. GRCh37 (hg19) VCF-style: chr5-112175427-AG-A.
Other names: c.4137del, p.Thr1380fs (NM_001127510.3, NM_001354895.2, NM_001407450.1); c.4083del, p.Thr1362fs (NM_001127511.3); c.4191del, p.Thr1398fs (NM_001354896.2, NM_001407447.1, NM_001407448.1 and 1 more transcripts); c.4167del, p.Thr1390fs (NM_001354897.2); c.4062del, p.Thr1355fs (NM_001354898.2); c.4053del, p.Thr1352fs (NM_001354899.2); c.4014del, p.Thr1339fs (NM_001354900.2); c.3960del, p.Thr1321fs (NM_001354901.2, NM_001407453.1); and 11 more; short protein forms T1097fs, T1339fs, T1352fs, T1370fs, T1251fs, T1321fs, T1398fs, T1254fs.
Identifiers: ClinVar variation 3305797 (VCV003305797.1).

ClinVar aggregate classification (germline): Pathogenic (1 of 4 stars; one submission).

Conditions:
Hereditary cancer-predisposing syndrome. Also called: Tumor predisposition; Hereditary Cancer Syndrome; Hereditary neoplastic syndrome; Neoplastic Syndromes, Hereditary. Identifiers: Orphanet 140162, MedGen C0027672, MeSH D009386, MONDO:0015356.

Submission:

Ambry Genetics
Classification: Pathogenic for Hereditary cancer-predisposing syndrome. Last evaluated: 2024-06-24. Review status: criteria provided, single submitter. Criteria: Ambry Variant Classification Scheme 2023. Collection method: clinical testing. Allele origin: germline.
Comment: The c.4137delG pathogenic mutation, located in coding exon 15 of the APC gene, results from a deletion of one nucleotide at nucleotide position 4137, causing a translational frameshift with a predicted alternate stop codon (p.T1380Pfs*35). This alteration occurs at the 3' terminus of theAPC gene, is not expected to trigger nonsense-mediated mRNA decay, and impacts the last 51% of the protein. However, premature stop codons are typically deleterious in nature and a significant portion of the protein is affected (Ambry internal data). This variant is considered to be rare based on population cohorts in the Genome Aggregation Database (gnomAD). Based on the supporting evidence, this variant is interpreted as a disease-causing mutation.